The following is an entry in ClinVar:

ClinVar aggregate classification (germline): Uncertain significance (1 of 4 stars; one submission).

Conditions:
Hereditary spastic paraplegia 53. Also called: Spastic paraplegia 53, autosomal recessive. Identifiers: Orphanet 319199, MedGen C3539494, MONDO:0013962, OMIM 614898.

Submission:

Labcorp Genetics (formerly Invitae), Labcorp
Classification: Uncertain significance for Hereditary spastic paraplegia 53. Last evaluated: 2023-05-30. Review status: criteria provided, single submitter. Criteria: Invitae Variant Classification Sherloc (09022015). Collection method: clinical testing. Allele origin: germline.
Comment: Advanced modeling of protein sequence and biophysical properties (such as structural, functional, and spatial information, amino acid conservation, physicochemical variation, residue mobility, and thermodynamic stability) performed at Invitae indicates that this missense variant is not expected to disrupt VPS37A protein function. This variant has not been reported in the literature in individuals affected with VPS37A-related conditions. This variant is not present in population databases (gnomAD no frequency). This sequence change replaces proline, which is neutral and non-polar, with alanine, which is neutral and non-polar, at codon 191 of the VPS37A protein (p.Pro191Ala). In summary, the available evidence is currently insufficient to determine the role of this variant in disease. Therefore, it has been classified as a Variant of Uncertain Significance.

NM_152415.3(VPS37A):c.571C>G (p.Pro191Ala)

Gene: VPS37A (VPS37A subunit of ESCRT-I; plus strand). Cytogenetic location: 8p22.
Variant type: single nucleotide variant.
Coding change: c.571C>G on transcript NM_152415.3 (MANE Select); coding-DNA position 571, C replaced by G.
Protein change: p.Pro191Ala; replaces proline 191 with alanine.
Molecular consequence: missense variant.
Genome position (GRCh38, 1-based): chr8:17,274,887, C>G. VCF-style: chr8-17274887-C-G. GRCh37 (hg19) VCF-style: chr8-17132396-C-G.
Other names: c.496C>G, p.Pro166Ala (NM_001145152.2); c.571C>G, p.Pro191Ala (NM_001363167.1, NM_001363173.2); c.301C>G, p.Pro101Ala (NM_001363168.1, NM_001363169.1, NM_001363170.1 and 2 more transcripts); short protein forms P101A, P166A, P191A.
Identifiers: ClinVar variation 2818617 (VCV002818617.3), dbSNP rs1270097212, ClinGen allele CA370401501.